The following is an entry in ClinVar:

NM_144991.3(TSPEAR):c.1337-31C>T

Gene: TSPEAR (thrombospondin type laminin G domain and EAR repeats; minus strand). Cytogenetic location: 21q22.3.
Variant type: single nucleotide variant.
Coding change: c.1337-31C>T on transcript NM_144991.3 (MANE Select); 31 bases into the intron before coding-DNA position 1337, C replaced by T.
Molecular consequence: intron variant.
Genome position (GRCh38, 1-based): chr21:44,522,143, G>A on the plus strand (C>T on the coding strand, the complement: TSPEAR is on the minus strand). VCF-style: chr21-44522143-G-A. GRCh37 (hg19) VCF-style: chr21-45942026-G-A.
Other names: c.1133-31C>T (NM_001272037.2).
Identifiers: ClinVar variation 683310 (VCV000683310.2), dbSNP rs62218855, ClinGen allele CA10056616.

ClinVar aggregate classification (germline): Likely benign. Review status: criteria provided, multiple submitters, no conflicts (2 of 4 stars). 2 submissions from 2 submitters: Likely benign (2). Last evaluated 2018-06-16.

Allele frequency attached by ClinVar (database versions not stated): 1000 Genomes Project 0.00479; 1000 Genomes Project 30x 0.00515; gnomAD exomes 0.00850 and 0.01237; gnomAD 0.00882 and 0.00902; ExAC 0.00897; TOPMed 0.00924; ESP Exome Variant Server 0.00953.
gnomAD v4.1: 19,337 of 1,602,632 alleles (1.2%); highest among the groups gnomAD compares: Non-Finnish European, 1.5%; 140 homozygotes.

Submissions (2):

GeneDx
Classification: Likely benign. Last evaluated: 2018-06-16. Review status: criteria provided, single submitter. Criteria: GeneDx Variant Classification (06012015). Collection method: clinical testing. Allele origin: germline. Affected: yes.
Comment: This variant is considered likely benign or benign based on one or more of the following criteria: it is a conservative change, it occurs at a poorly conserved position in the protein, it is predicted to be benign by multiple in silico algorithms, and/or has population frequency not consistent with disease.

Breakthrough Genomics
Classification: Likely benign. Review status: criteria provided, single submitter. Criteria: ACMG Guidelines, 2015. Collection method: not provided. Allele origin: germline. Inheritance: Autosomal recessive inheritance. Affected: yes.